The following is an entry in ClinVar:

NM_001378454.1(ALMS1):c.171C>G (p.Asp57Glu)

Gene: ALMS1 (ALMS1 centrosome and basal body associated protein; plus strand). Cytogenetic location: 2p13.1.
Variant type: single nucleotide variant.
Coding change: c.171C>G on transcript NM_001378454.1 (MANE Select); coding-DNA position 171, C replaced by G.
Protein change: p.Asp57Glu; replaces aspartic acid 57 with glutamic acid.
Molecular consequence: missense variant.
Genome position (GRCh38, 1-based): chr2:73,386,039, C>G. VCF-style: chr2-73386039-C-G. GRCh37 (hg19) VCF-style: chr2-73613167-C-G.
Other names: c.174C>G, p.Asp58Glu (NM_015120.4); short protein forms D57E, D58E.
Identifiers: ClinVar variation 1360115 (VCV001360115.6), dbSNP rs2104058944, ClinGen allele CA347250754.

ClinVar aggregate classification (germline): Uncertain significance (1 of 4 stars; one submission).

Conditions:
Alstrom syndrome (ALMS). Identifiers: Orphanet 64, MedGen C0268425, MONDO:0008763, OMIM 203800.

Allele frequency attached by ClinVar (database versions not stated): gnomAD exomes below 0.00001.
gnomAD v4.1: 1 of 1,568,856 alleles (0.000064%); highest among the groups gnomAD compares: Non-Finnish European, 0.000086%; no homozygotes.

Submission:

Labcorp Genetics (formerly Invitae), Labcorp
Classification: Uncertain significance for Alstrom syndrome. Last evaluated: 2023-08-04. Review status: criteria provided, single submitter. Criteria: Invitae Variant Classification Sherloc (09022015). Collection method: clinical testing. Allele origin: germline.
Comment: ClinVar contains an entry for this variant (Variation ID: 1360115). This variant has not been reported in the literature in individuals affected with ALMS1-related conditions. This variant is not present in population databases (gnomAD no frequency). This sequence change replaces aspartic acid, which is acidic and polar, with glutamic acid, which is acidic and polar, at codon 58 of the ALMS1 protein (p.Asp58Glu). Experimental studies and prediction algorithms are not available or were not evaluated, and the functional significance of this variant is currently unknown. In summary, the available evidence is currently insufficient to determine the role of this variant in disease. Therefore, it has been classified as a Variant of Uncertain Significance.